The following is an entry in ClinVar:

ClinVar aggregate classification (germline): Uncertain significance. Review status: criteria provided, multiple submitters, no conflicts (2 of 4 stars). 2 submissions from 2 submitters: Uncertain significance (2). Last evaluated 2022-07-12.

Conditions:
Episodic ataxia type 2 (EA2). Also called: ACETAZOLAMIDE-RESPONSIVE HEREDITARY PAROXYSMAL CEREBELLAR ATAXIA; CEREBELLAR ATAXIA, PAROXYSMAL, ACETAZOLAMIDE-RESPONSIVE; CEREBELLOPATHY, HEREDITARY PAROXYSMAL; EPISODIC ATAXIA, NYSTAGMUS-ASSOCIATED; ATAXIA, EPISODIC, WITH NYSTAGMUS; ATAXIA, FAMILIAL PAROXYSMAL. Identifiers: Orphanet 97, MedGen C1720416, MONDO:0007163, OMIM 108500.
Developmental and epileptic encephalopathy, 42 (DEE42A). Also called: Epileptic encephalopathy, early infantile, 42; DEVELOPMENTAL AND EPILEPTIC ENCEPHALOPATHY 42A; EPILEPTIC ENCEPHALOPATHY, EARLY INFANTILE, 42A. Identifiers: MedGen C4310716, MONDO:0014917, OMIM 617106.

Allele frequency attached by ClinVar (database versions not stated): TOPMed 0.00001.

Submissions (2):

Labcorp Genetics (formerly Invitae), Labcorp
Classification: Uncertain significance for Developmental and epileptic encephalopathy, 42; Episodic ataxia type 2. Last evaluated: 2022-07-12. Review status: criteria provided, single submitter. Criteria: Invitae Variant Classification Sherloc (09022015). Collection method: clinical testing. Allele origin: germline.
Comment: This sequence change replaces leucine, which is neutral and non-polar, with phenylalanine, which is neutral and non-polar, at codon 1145 of the CACNA1A protein (p.Leu1145Phe). This variant is not present in population databases (gnomAD no frequency). This variant has not been reported in the literature in individuals affected with CACNA1A-related conditions. ClinVar contains an entry for this variant (Variation ID: 1042135). Advanced modeling of protein sequence and biophysical properties (such as structural, functional, and spatial information, amino acid conservation, physicochemical variation, residue mobility, and thermodynamic stability) performed at Invitae indicates that this missense variant is not expected to disrupt CACNA1A protein function. In summary, the available evidence is currently insufficient to determine the role of this variant in disease. Therefore, it has been classified as a Variant of Uncertain Significance.

Blueprint Genetics
Classification: Uncertain significance. Last evaluated: 2017-11-10. Review status: criteria provided, single submitter. Criteria: ACMG Guidelines, 2015. Collection method: clinical testing. Allele origin: germline.

NM_001127222.2(CACNA1A):c.3430C>T (p.Leu1144Phe)

Gene: CACNA1A (calcium voltage-gated channel subunit alpha1 A; minus strand). Cytogenetic location: 19p13.13.
Variant type: single nucleotide variant.
Coding change: c.3430C>T on transcript NM_001127222.2 (MANE Select); coding-DNA position 3430, C replaced by T.
Protein change: p.Leu1144Phe; replaces leucine 1144 with phenylalanine.
Molecular consequence: missense variant.
Genome position (GRCh38, 1-based): chr19:13,286,626, G>A on the plus strand (C>T on the coding strand, the complement: CACNA1A is on the minus strand). VCF-style: chr19-13286626-G-A. GRCh37 (hg19) VCF-style: chr19-13397440-G-A.
Other names: c.3442C>T, p.Leu1148Phe (NM_000068.4, NM_023035.3); c.3433C>T, p.Leu1145Phe (NM_001127221.2, NM_001174080.2); short protein forms L1148F, L1144F, L1145F.
Identifiers: ClinVar variation 1042135 (VCV001042135.10), dbSNP rs2057405997, ClinGen allele CA404341388.